The following is an entry in ClinVar:

NC_000011.9:g.(?_18301429)_(18307026_?)del

Gene: HPS5 (HPS5 biogenesis of lysosomal organelles complex 2 subunit 2; minus strand). Cytogenetic location: 11p15.1.
Variant type: Deletion.
Identifiers: ClinVar variation 1441904 (VCV001441904.7).

ClinVar aggregate classification (germline): Uncertain significance (1 of 4 stars; one submission).

Submission:

Labcorp Genetics (formerly Invitae), Labcorp
Classification: Uncertain significance. Last evaluated: 2022-08-14. Review status: criteria provided, single submitter. Criteria: Invitae Variant Classification Sherloc (09022015). Collection method: clinical testing. Allele origin: germline.
Comment: This variant is a gross deletion of the genomic region encompassing exon(s) 20-23 of the HPS5 gene, which includes the termination codon. This deletion extends beyond the assayed region for this gene and therefore may encompass additional genes. While this deletion is not anticipated to lead to nonsense mediated decay, it is expected to alter mRNA translation or result in a truncated protein product. This variant has not been reported in the literature in individuals affected with HPS5-related conditions. This variant disrupts a region of the HPS5 protein in which other variant(s) (p.Met1116Val) have been observed in individuals with HPS5-related conditions (PMID: 27593200). This suggests that this is a clinically significant region of the protein, and that variants that disrupt it are likely to be disease-causing. In summary, the available evidence is currently insufficient to determine the role of this variant in disease. Therefore, it has been classified as a Variant of Uncertain Significance.

Literature cited by the submitters: PubMed 27593200.